The following is an entry in ClinVar:

ClinVar aggregate classification (germline): Uncertain significance (1 of 4 stars; one submission).

Conditions:
Aicardi-Goutieres syndrome 2. Identifiers: Orphanet 51, MedGen C3489724, MONDO:0012429, OMIM 610181.

Allele frequency attached by ClinVar (database versions not stated): gnomAD exomes below 0.00001; ExAC 0.00001; TOPMed 0.00001.
gnomAD v4.1: 1 of 1,611,504 alleles (0.000062%); highest among the groups gnomAD compares: Admixed American, 0.0017%; no homozygotes.

Submission:

Labcorp Genetics (formerly Invitae), Labcorp
Classification: Uncertain significance for Aicardi-Goutieres syndrome 2. Last evaluated: 2023-11-27. Review status: criteria provided, single submitter. Criteria: Invitae Variant Classification Sherloc (09022015). Collection method: clinical testing. Allele origin: germline.
Comment: This sequence change replaces serine, which is neutral and polar, with proline, which is neutral and non-polar, at codon 229 of the RNASEH2B protein (p.Ser229Pro). This variant is present in population databases (rs768565639, gnomAD 0.003%). This missense change has been observed in individuals with Aicardi-Goutieres syndrome (PMID: 20131292, 27943079). ClinVar contains an entry for this variant (Variation ID: 1382454). Advanced modeling of protein sequence and biophysical properties (such as structural, functional, and spatial information, amino acid conservation, physicochemical variation, residue mobility, and thermodynamic stability) has been performed at Invitae for this missense variant, however the output from this modeling did not meet the statistical confidence thresholds required to predict the impact of this variant on RNASEH2B protein function. In summary, the available evidence is currently insufficient to determine the role of this variant in disease. Therefore, it has been classified as a Variant of Uncertain Significance.

Literature cited by the submitters: PubMed 20131292; PubMed 27943079.

NM_024570.4(RNASEH2B):c.685T>C (p.Ser229Pro)

Gene: RNASEH2B (ribonuclease H2 subunit B; plus strand). Cytogenetic location: 13q14.3.
Variant type: single nucleotide variant.
Coding change: c.685T>C on transcript NM_024570.4 (MANE Select); coding-DNA position 685, T replaced by C.
Protein change: p.Ser229Pro; replaces serine 229 with proline.
Molecular consequence: missense variant.
Genome position (GRCh38, 1-based): chr13:50,948,055, T>C. VCF-style: chr13-50948055-T-C. GRCh37 (hg19) VCF-style: chr13-51522191-T-C.
Other names: c.685T>C, p.Ser229Pro (NM_001142279.2); short protein forms S229P.
Identifiers: ClinVar variation 1382454 (VCV001382454.7), dbSNP rs768565639, ClinGen allele CA6985663.